The following is an entry in ClinVar:

ClinVar aggregate classification (germline): Uncertain significance (1 of 4 stars; one submission).

Conditions:
Hereditary spastic paraplegia 39 (SPG39). Also called: Spastic Paraplegia Type 39 (SPG39); SPASTIC PARAPLEGIA 39, AUTOSOMAL RECESSIVE. Identifiers: Orphanet 139480, MedGen C2677586, MONDO:0012787, OMIM 612020.

Submission:

Labcorp Genetics (formerly Invitae), Labcorp
Classification: Uncertain significance for Hereditary spastic paraplegia 39. Last evaluated: 2022-07-06. Review status: criteria provided, single submitter. Criteria: Invitae Variant Classification Sherloc (09022015). Collection method: clinical testing. Allele origin: germline.
Comment: In summary, the available evidence is currently insufficient to determine the role of this variant in disease. Therefore, it has been classified as a Variant of Uncertain Significance. Algorithms developed to predict the effect of missense changes on protein structure and function are either unavailable or do not agree on the potential impact of this missense change (SIFT: "Deleterious"; PolyPhen-2: "Probably Damaging"; Align-GVGD: "Class C0"). ClinVar contains an entry for this variant (Variation ID: 1038037). This variant has not been reported in the literature in individuals affected with PNPLA6-related conditions. This variant is not present in population databases (gnomAD no frequency). This sequence change replaces leucine, which is neutral and non-polar, with arginine, which is basic and polar, at codon 622 of the PNPLA6 protein (p.Leu622Arg).

NM_001166114.2(PNPLA6):c.1982T>G (p.Leu661Arg)

Gene: PNPLA6 (patatin like domain 6, lysophospholipase; plus strand). Cytogenetic location: 19p13.2.
Variant type: single nucleotide variant.
Coding change: c.1982T>G on transcript NM_001166114.2 (MANE Select); coding-DNA position 1982, T replaced by G.
Protein change: p.Leu661Arg; replaces leucine 661 with arginine.
Molecular consequence: missense variant.
Genome position (GRCh38, 1-based): chr19:7,550,552, T>G. VCF-style: chr19-7550552-T-G. GRCh37 (hg19) VCF-style: chr19-7615438-T-G.
Other names: c.2009T>G, p.Leu670Arg (NM_001166111.2); c.1787T>G, p.Leu596Arg (NM_001166112.2); c.1865T>G, p.Leu622Arg (NM_001166113.1, NM_006702.5); short protein forms L622R, L661R, L670R, L596R.
Identifiers: ClinVar variation 1038037 (VCV001038037.8), dbSNP rs2023598783, ClinGen allele CA403123371.